The following is an entry in ClinVar:

ClinVar aggregate classification (germline): Pathogenic (1 of 4 stars; one submission).

Submission:

Labcorp Genetics (formerly Invitae), Labcorp
Classification: Pathogenic. Last evaluated: 2022-08-07. Review status: criteria provided, single submitter. Criteria: Invitae Variant Classification Sherloc (09022015). Collection method: clinical testing. Allele origin: germline.
Comment: For these reasons, this variant has been classified as Pathogenic. This variant has not been reported in the literature in individuals affected with P3H2-related conditions. This variant is present in population databases (no rsID available, gnomAD 0.007%). This sequence change creates a premature translational stop signal (p.Tyr532Metfs*11) in the P3H2 gene. It is expected to result in an absent or disrupted protein product. Loss-of-function variants in P3H2 are known to be pathogenic (PMID: 24172257, 25469533).

Literature cited by the submitters: PubMed 24172257; PubMed 25469533.

NM_018192.4(P3H2):c.1594del (p.Tyr532fs)

Gene: P3H2 (prolyl 3-hydroxylase 2; minus strand). Cytogenetic location: 3q28.
Variant type: Deletion.
Coding change: c.1594del on transcript NM_018192.4 (MANE Select); coding-DNA position 1594, one base deleted (T; older notation c.1594delT).
Protein change: p.Tyr532fs; shifts the reading frame from tyrosine 532.
Molecular consequence: frameshift variant.
Genome position (GRCh38, 1-based): chr3:189,972,979, A deleted on the plus strand (T on the coding strand, the reverse complement: P3H2 is on the minus strand); the first of 4 consecutive A bases (chr3:189,972,979-189,972,982); deleting any one gives the same sequence. VCF-style (leftmost placement, unchanged base first): chr3-189972978-TA-T. GRCh37 (hg19) VCF-style: chr3-189690767-TA-T.
Other names: c.1051del, p.Tyr351fs (NM_001134418.2); short protein forms Y351fs, Y532fs.
Identifiers: ClinVar variation 2022445 (VCV002022445.4), dbSNP rs1303186336, ClinGen allele CA548798328.
Genomic context (GRCh38, chr3:189,972,978, plus strand): 5'-AGAGTTGAGTTCAGCATAAAATAAGATTCTACAATCCTTCGAGCCTTTTCGCTGATGTCA[TA>T]AAACAGACGAGCGCTCTTCAGTGGGACTCGACCTTCATAACCAGACTGAAAAAAAAAAAC-3'